The following is an entry in ClinVar:

NM_138927.4(SON):c.2300_2301insGTCTAGCTCCATGGACTCCCAGATGTTAGC (p.Ala767_Thr768insSerSerSerMetAspSerGlnMetLeuAla)

Gene: SON (SON DNA and RNA binding protein; plus strand). Cytogenetic location: 21q22.11.
Variant type: Insertion.
Coding change: c.2300_2301insGTCTAGCTCCATGGACTCCCAGATGTTAGC on transcript NM_138927.4 (MANE Select); coding-DNA positions 2300 to 2301, GTCTAGCTCCATGGACTCCCAGATGTTAGC inserted.
Protein change: p.Ala767_Thr768insSerSerSerMetAspSerGlnMetLeuAla.
Molecular consequence: non-coding transcript variant (on NR_103797.2). On other transcripts: intron variant (1).
Genome position: GRCh38 VCF-style: chr21-33551509-A-ACCATGGACTCCCAGATGTTAGCGTCTAGCT. GRCh37 (hg19) VCF-style: chr21-34923815-A-ACCATGGACTCCCAGATGTTAGCGTCTAGCT.
Other names: c.2300_2301insGTCTAGCTCCATGGACTCCCAGATGTTAGC, p.Ala767_Thr768insSerSerSerMetAspSerGlnMetLeuAla (NM_001291411.2, NM_032195.3); c.244+5152_244+5153insGTCTAGCTCCATGGACTCCCAGATGTTAGC (NM_001291412.3).
Identifiers: ClinVar variation 3726645 (VCV003726645.2).

ClinVar aggregate classification (germline): Uncertain significance (1 of 4 stars; one submission).

Submission:

Labcorp Genetics (formerly Invitae), Labcorp
Classification: Uncertain significance. Last evaluated: 2024-12-05. Review status: criteria provided, single submitter. Criteria: Invitae Variant Classification Sherloc (09022015). Collection method: clinical testing. Allele origin: germline.
Comment: This variant, c.2300_2301insGTCTAGCTCCATGGACTCCCAGATGTTAGC, results in the insertion of 10 amino acid(s) of the SON protein (p.Ala767_Thr768insSerSerSerMetAspSerGlnMetLeuAla), but otherwise preserves the integrity of the reading frame. This variant is not present in population databases (gnomAD no frequency). This variant has not been reported in the literature in individuals affected with SON-related conditions. In summary, the available evidence is currently insufficient to determine the role of this variant in disease. Therefore, it has been classified as a Variant of Uncertain Significance.